The following is an entry in ClinVar:

NM_001844.5(COL2A1):c.2920C>T (p.Gln974Ter)

Gene: COL2A1 (collagen type II alpha 1 chain; minus strand). Cytogenetic location: 12q13.11.
Variant type: single nucleotide variant.
Coding change: c.2920C>T on transcript NM_001844.5 (MANE Select); coding-DNA position 2920, C replaced by T.
Protein change: p.Gln974Ter; replaces glutamine 974 with a stop codon.
Molecular consequence: nonsense.
Genome position (GRCh38, 1-based): chr12:47,978,374, G>A on the plus strand (C>T on the coding strand, the complement: COL2A1 is on the minus strand). VCF-style: chr12-47978374-G-A. GRCh37 (hg19) VCF-style: chr12-48372157-G-A.
Other names: c.2713C>T, p.Gln905Ter (NM_033150.3); short protein forms Q974*, Q905*.
Identifiers: ClinVar variation 3001488 (VCV003001488.3), dbSNP rs2540111973, ClinGen allele CA384541476.

ClinVar aggregate classification (germline): Pathogenic (1 of 4 stars; one submission).

Submission:

Labcorp Genetics (formerly Invitae), Labcorp
Classification: Pathogenic. Last evaluated: 2024-04-18. Review status: criteria provided, single submitter. Criteria: Invitae Variant Classification Sherloc (09022015). Collection method: clinical testing. Allele origin: germline.
Comment: This sequence change creates a premature translational stop signal (p.Gln974*) in the COL2A1 gene. It is expected to result in an absent or disrupted protein product. Loss-of-function variants in COL2A1 are known to be pathogenic (PMID: 20179744). This variant is not present in population databases (gnomAD no frequency). This variant has not been reported in the literature in individuals affected with COL2A1-related conditions. For these reasons, this variant has been classified as Pathogenic.

Literature cited by the submitters: PubMed 20179744.